The following is an entry in ClinVar:

ClinVar aggregate classification (germline): Conflicting classifications of pathogenicity. Review status: criteria provided, conflicting classifications (1 of 4 stars). 2 submissions from 2 submitters: Uncertain significance (1); Benign (1). Last evaluated 2026-01-06.

Conditions:
BAP1-related tumor predisposition syndrome (TPDS1). Also called: BAP1 tumor predisposition syndrome; Tumor susceptibility linked to germline BAP1 mutations; COMMON Syndrome; TUMOR PREDISPOSITION SYNDROME 1. Identifiers: Orphanet 289539, MedGen C3280492, MONDO:0013692, OMIM 614327.

Submissions (2):

Labcorp Genetics (formerly Invitae), Labcorp
Classification: Uncertain significance for BAP1-related tumor predisposition syndrome. Last evaluated: 2026-01-06. Review status: criteria provided, single submitter. Criteria: Invitae Variant Classification Sherloc (09022015). Collection method: clinical testing. Allele origin: germline.
Comment: This sequence change affects codon 77 of the BAP1 mRNA. It is a 'silent' change, meaning that it does not change the encoded amino acid sequence of the BAP1 protein. This variant is not present in population databases (gnomAD no frequency). This variant has not been reported in the literature in individuals affected with BAP1-related conditions. ClinVar contains an entry for this variant (Variation ID: 2719384). Studies have shown that this variant is associated with inconclusive levels of altered splicing (internal data). In summary, the available evidence is currently insufficient to determine the role of this variant in disease. Therefore, it has been classified as a Variant of Uncertain Significance.

Myriad Genetics, Inc.
Classification: Benign for BAP1-related tumor predisposition syndrome. Last evaluated: 2024-07-11. Review status: criteria provided, single submitter. Criteria: Myriad Autosomal Dominant, Autosomal Recessive and X-Linked Classification Criteria (2023). Collection method: clinical testing. Allele origin: unknown.
Comment: This variant is considered benign. This variant is a silent/synonymous amino acid change and it is not expected to impact splicing.

NM_004656.4(BAP1):c.231G>A (p.Val77=)

Gene: BAP1 (BRCA1 associated deubiquitinase 1; minus strand). Cytogenetic location: 3p21.1.
Variant type: single nucleotide variant.
Coding change: c.231G>A on transcript NM_004656.4 (MANE Select); coding-DNA position 231, G replaced by A.
Protein change: p.Val77=; no amino-acid change (valine 77 retained).
Molecular consequence: synonymous variant.
Genome position (GRCh38, 1-based): chr3:52,408,498, C>T on the plus strand (G>A on the coding strand, the complement: BAP1 is on the minus strand). VCF-style: chr3-52408498-C-T. GRCh37 (hg19) VCF-style: chr3-52442514-C-T.
Other names: c.231G>A, p.Val77= (NM_001410772.1).
Identifiers: ClinVar variation 2719384 (VCV002719384.4), dbSNP rs2153228293, ClinGen allele CA433778127.